The following is an entry in ClinVar:

ClinVar aggregate classification (germline): Uncertain significance (1 of 4 stars; one submission).

Allele frequency attached by ClinVar (database versions not stated): ExAC 0.00002; gnomAD exomes 0.00002 and 0.00004; gnomAD 0.00006; ESP Exome Variant Server 0.00008; TOPMed 0.00009.
gnomAD v4.1: 40 of 1,614,066 alleles (0.0025%); highest among the groups gnomAD compares: Admixed American, 0.017%; no homozygotes.

Submission:

Labcorp Genetics (formerly Invitae), Labcorp
Classification: Uncertain significance. Last evaluated: 2024-11-05. Review status: criteria provided, single submitter. Criteria: Invitae Variant Classification Sherloc (09022015). Collection method: clinical testing. Allele origin: germline.
Comment: This sequence change replaces glycine, which is neutral and non-polar, with alanine, which is neutral and non-polar, at codon 191 of the SLCO2A1 protein (p.Gly191Ala). This variant is present in population databases (rs376913032, gnomAD 0.02%). This variant has not been reported in the literature in individuals affected with SLCO2A1-related conditions. ClinVar contains an entry for this variant (Variation ID: 1447370). Invitae Evidence Modeling of protein sequence and biophysical properties (such as structural, functional, and spatial information, amino acid conservation, physicochemical variation, residue mobility, and thermodynamic stability) has been performed for this missense variant. However, the output from this modeling did not meet the statistical confidence thresholds required to predict the impact of this variant on SLCO2A1 protein function. In summary, the available evidence is currently insufficient to determine the role of this variant in disease. Therefore, it has been classified as a Variant of Uncertain Significance.

NM_005630.3(SLCO2A1):c.572G>C (p.Gly191Ala)

Gene: SLCO2A1 (solute carrier organic anion transporter family member 2A1; minus strand). Cytogenetic location: 3q22.1.
Variant type: single nucleotide variant.
Coding change: c.572G>C on transcript NM_005630.3 (MANE Select); coding-DNA position 572, G replaced by C.
Protein change: p.Gly191Ala; replaces glycine 191 with alanine.
Molecular consequence: missense variant.
Genome position (GRCh38, 1-based): chr3:133,955,019, C>G on the plus strand (G>C on the coding strand, the complement: SLCO2A1 is on the minus strand). VCF-style: chr3-133955019-C-G. GRCh37 (hg19) VCF-style: chr3-133673863-C-G.
Other names: short protein forms G191A.
Identifiers: ClinVar variation 1447370 (VCV001447370.5), dbSNP rs376913032, ClinGen allele CA2626793.